The following is an entry in ClinVar:

ClinVar aggregate classification (germline): Pathogenic. Review status: criteria provided, multiple submitters, no conflicts (2 of 4 stars). 7 submissions from 7 submitters: Pathogenic (7). Last evaluated 2024-11-23.

Conditions:
Meckel syndrome, type 3 (MKS3). Also called: MECKEL-GRUBER SYNDROME, TYPE 3. Identifiers: Orphanet 564, MedGen C1846357, MONDO:0011821, OMIM 607361.
COACH syndrome 1. Identifiers: Orphanet 1454, MedGen C5435651, MONDO:0800103, OMIM 216360, MONDO:0008996.
Nephronophthisis 11 (NPHP11). Identifiers: Orphanet 84081, MedGen C3150796, MONDO:0013302, OMIM 613550.
Joubert syndrome 6 (JBTS6). Identifiers: Orphanet 475, MedGen C1853153, MONDO:0012539, OMIM 610688.
Bardet-Biedl syndrome 14 (BBS14). Identifiers: Orphanet 110, MedGen C2673874, MONDO:0014442, OMIM 615991.
RHYNS syndrome. Also called: RETINITIS PIGMENTOSA SYNDROME; RETINITIS PIGMENTOSA, HYPOPITUITARISM, NEPHRONOPHTHISIS, AND MILD SKELETAL DYSPLASIA. Identifiers: Orphanet 140976, MedGen C1865794, MONDO:0011202, OMIM 602152.
TMEM67-related disorder. Also called: TMEM67-related condition; TMEM67-related disorders. Identifiers: MedGen CN239423.
Meckel-Gruber syndrome. Also called: DYSENCEPHALIA SPLANCHNOCYSTICA; Dysencephalia splachnocystica; GRUBER SYNDROME. Identifiers: Orphanet 564, MedGen C0265215, MONDO:0018921.
Joubert syndrome. Also called: Familial aplasia of the vermis; JOUBERT-BOLTSHAUSER SYNDROME. Identifiers: Orphanet 475, MedGen C5979921, MONDO:0018772.

Allele frequency attached by ClinVar (database versions not stated): ExAC 0.00001; gnomAD 0.00001; gnomAD exomes 0.00001; TOPMed 0.00001; 1000 Genomes Project 30x 0.00016; 1000 Genomes Project 0.00020.
gnomAD v4.1: 13 of 1,613,724 alleles (0.00081%); highest among the groups gnomAD compares: Admixed American, 0.0033%; no homozygotes.

Submissions (7):

Labcorp Genetics (formerly Invitae), Labcorp
Classification: Pathogenic for Joubert syndrome; Meckel-Gruber syndrome. Last evaluated: 2024-11-23. Review status: criteria provided, single submitter. Criteria: Invitae Variant Classification Sherloc (09022015). Collection method: clinical testing. Allele origin: germline.
Comment: This sequence change creates a premature translational stop signal (p.Arg451*) in the TMEM67 gene. It is expected to result in an absent or disrupted protein product. Loss-of-function variants in TMEM67 are known to be pathogenic (PMID: 20232449, 23559409). This variant is present in population databases (rs116647652, gnomAD 0.003%). This premature translational stop signal has been observed in individual(s) with Joubert syndrome (PMID: 17377820, 21866095, 28497568). ClinVar contains an entry for this variant (Variation ID: 217724). Algorithms developed to predict the effect of sequence changes on RNA splicing suggest that this variant may disrupt the consensus splice site. For these reasons, this variant has been classified as Pathogenic.

Fulgent Genetics
Classification: Pathogenic for COACH syndrome 1; RHYNS syndrome; Meckel syndrome, type 3; Joubert syndrome 6; Nephronophthisis 11; Bardet-Biedl syndrome 14. Last evaluated: 2024-05-04. Review status: criteria provided, single submitter. Criteria: ACMG Guidelines, 2015. Collection method: clinical testing. Allele origin: germline.

GeneDx
Classification: Pathogenic. Last evaluated: 2023-12-29. Review status: criteria provided, single submitter. Criteria: GeneDx Variant Classification Process June 2021. Collection method: clinical testing. Allele origin: germline. Affected: yes.
Comment: Previously reported with a second variant in multiple unrelated patients with TMEM67-related disorders; however, information on the phase of the variants was not provided (PMID: 28497568, 21866095); Nonsense variant predicted to result in protein truncation or nonsense mediated decay in a gene for which loss-of-function is a known mechanism of disease; Not observed at a significant frequency in large population cohorts (gnomAD); This variant is associated with the following publications: (PMID: 32000717, 20981092, 25525159, 21866095, 21068128, 22344438, 26092869, 28497568, 36090483, 17377820)

Women's Health and Genetics/Laboratory Corporation of America, LabCorp
Classification: Pathogenic for Joubert syndrome 6. Last evaluated: 2022-12-05. Review status: criteria provided, single submitter. Criteria: LabCorp Variant Classification Summary - May 2015. Collection method: clinical testing. Allele origin: germline.
Comment: Variant summary: TMEM67 c.1351C>T (p.Arg451X) results in a premature termination codon, predicted to cause a truncation of the encoded protein or absence of the protein due to nonsense mediated decay, which are commonly known mechanisms for disease. The variant allele was found at a frequency of 8e-06 in 251374 control chromosomes (gnomAD). c.1351C>T has been reported in the literature in multiple individuals affected with Joubert syndrome, Meckel-Gruber syndrome and COACH syndrome (e.g. Consugar_2007, Doherty_2010, Chaki_2011). These data indicate that the variant is very likely to be associated with disease. To our knowledge, no experimental evidence demonstrating an impact on protein function has been reported. Three submitters have provided assessments for this variant to ClinVar after 2014 and all classified the variant as pathogenic. Based on the evidence outlined above, the variant was classified as pathogenic.

Revvity Omics, Revvity
Classification: Pathogenic. Last evaluated: 2022-01-07. Review status: criteria provided, single submitter. Criteria: ACMG Guidelines, 2015. Collection method: clinical testing. Allele origin: germline.

Blueprint Genetics
Classification: Pathogenic for TMEM67-related disorders. Last evaluated: 2020-09-21. Review status: criteria provided, single submitter. Criteria: ACMG Guidelines, 2015. Collection method: clinical testing. Allele origin: germline. Affected: yes. Observed: 4 variant alleles.

UW Hindbrain Malformation Research Program, University of Washington
Classification: Pathogenic for Joubert syndrome 6. Last evaluated: 2015-02-23. Review status: criteria provided, single submitter. Criteria: Bachmann-Gagescu et al. (J Med Genet. 2015). Collection method: research. Allele origin: unknown. Affected: yes.

Literature cited by the submitters: PubMed 20232449 (cited by Labcorp Genetics (formerly Invitae), Labcorp); PubMed 23559409 (cited by Labcorp Genetics (formerly Invitae), Labcorp); PubMed 17377820 (cited by Labcorp Genetics (formerly Invitae), Labcorp and Women's Health and Genetics/Laboratory Corporation of America, LabCorp); PubMed 21866095 (cited by Labcorp Genetics (formerly Invitae), Labcorp and Women's Health and Genetics/Laboratory Corporation of America, LabCorp); PubMed 28497568 (cited by Labcorp Genetics (formerly Invitae), Labcorp); PubMed 19574260 (cited by Women's Health and Genetics/Laboratory Corporation of America, LabCorp).

NM_153704.6(TMEM67):c.1351C>T (p.Arg451Ter)

Gene: TMEM67 (transmembrane protein 67; plus strand). Cytogenetic location: 8q22.1.
Variant type: single nucleotide variant.
Coding change: c.1351C>T on transcript NM_153704.6 (MANE Select); coding-DNA position 1351, C replaced by T.
Protein change: p.Arg451Ter; replaces arginine 451 with a stop codon.
Molecular consequence: nonsense. On other transcripts: non-coding transcript variant (1).
Genome position (GRCh38, 1-based): chr8:93,786,285, C>T. VCF-style: chr8-93786285-C-T. GRCh37 (hg19) VCF-style: chr8-94798513-C-T.
Other names: c.1108C>T, p.Arg370Ter (NM_001142301.1); short protein forms R370*, R451*.
Identifiers: ClinVar variation 217724 (VCV000217724.18), dbSNP rs116647652, ClinGen allele CA277776.